The following is an entry in ClinVar:

ClinVar aggregate classification (germline): Benign. Review status: criteria provided, multiple submitters, no conflicts (2 of 4 stars). 4 submissions from 4 submitters: Benign (4). Last evaluated 2026-01-31.

Conditions:
Fraser syndrome 2 (FRASRS2). Identifiers: MedGen C4540036, MONDO:0054738, OMIM 617666.

Allele frequency attached by ClinVar (database versions not stated): gnomAD exomes 0.00069 and 0.00173; ExAC 0.00194; 1000 Genomes Project 0.00519; 1000 Genomes Project 30x 0.00625; gnomAD 0.00698 and 0.00751; ESP Exome Variant Server 0.00761; TOPMed 0.00806.
gnomAD v4.1: 2,105 of 1,611,032 alleles (0.13%); highest among the groups gnomAD compares: African/African-American, 2.5%; 17 homozygotes.

Submissions (4):

Labcorp Genetics (formerly Invitae), Labcorp
Classification: Benign. Last evaluated: 2026-01-31. Review status: criteria provided, single submitter. Criteria: Invitae Variant Classification Sherloc (09022015). Collection method: clinical testing. Allele origin: germline.

Genetic Services Laboratory, University of Chicago
Classification: Benign. Last evaluated: 2020-07-09. Review status: criteria provided, single submitter. Criteria: ACMG Guidelines, 2015. Collection method: clinical testing. Allele origin: germline. Affected: no.

Illumina Laboratory Services, Illumina
Classification: Benign for Fraser syndrome 2. Last evaluated: 2018-01-13. Review status: criteria provided, single submitter. Criteria: ICSL Variant Classification Criteria 13 December 2019. Collection method: clinical testing. Allele origin: germline.
Comment: This variant was observed in the ICSL laboratory as part of a predisposition screen in an ostensibly healthy population. It had not been previously curated by ICSL or reported in the Human Gene Mutation Database (HGMD: prior to June 1st, 2018), and was therefore a candidate for classification through an automated scoring system. Utilizing variant allele frequency, disease prevalence and penetrance estimates, and inheritance mode, an automated score was calculated to assess if this variant is too frequent to cause the disease. Based on the score and internal cut-off values, a variant classified as benign is not then subjected to further curation. The score for this variant resulted in a classification of benign for this disease.

Breakthrough Genomics
Classification: Benign. Review status: criteria provided, single submitter. Criteria: ACMG Guidelines, 2015. Collection method: not provided. Allele origin: germline. Inheritance: Autosomal recessive inheritance. Affected: yes.

NM_207361.6(FREM2):c.6989T>C (p.Val2330Ala)

Gene: FREM2 (FRAS1 related extracellular matrix 2; plus strand). Cytogenetic location: 13q13.3.
Variant type: single nucleotide variant.
Coding change: c.6989T>C on transcript NM_207361.6 (MANE Select); coding-DNA position 6989, T replaced by C.
Protein change: p.Val2330Ala; replaces valine 2330 with alanine.
Molecular consequence: missense variant.
Genome position (GRCh38, 1-based): chr13:38,856,189, T>C. VCF-style: chr13-38856189-T-C. GRCh37 (hg19) VCF-style: chr13-39430326-T-C.
Other names: short protein forms V2330A.
Identifiers: ClinVar variation 312012 (VCV000312012.18), dbSNP rs61744595, ClinGen allele CA6955739.